The following is an entry in ClinVar:

ClinVar aggregate classification (germline): Conflicting classifications of pathogenicity. Review status: criteria provided, conflicting classifications (1 of 4 stars). 2 submissions from 2 submitters: Likely pathogenic (1); Uncertain significance (1). Last evaluated 2024-12-10.

Conditions:
Multiple sulfatase deficiency (MSD). Also called: Multiple Sulfatase Deficiency Disease; Mucosulfatidosis; Sulfatidosis, Juvenile, Austin Type. Identifiers: Orphanet 585, MedGen C0268263, MONDO:0010088, OMIM 272200.

Allele frequency attached by ClinVar (database versions not stated): TOPMed below 0.00001; ExAC 0.00001; gnomAD 0.00001; gnomAD exomes 0.00001.
gnomAD v4.1: 7 of 1,613,982 alleles (0.00043%); highest among the groups gnomAD compares: Non-Finnish European, 0.00059%; no homozygotes.

Submissions (2):

Women's Health and Genetics/Laboratory Corporation of America, LabCorp
Classification: Likely pathogenic for Multiple sulfatase deficiency. Last evaluated: 2024-12-10. Review status: criteria provided, single submitter. Criteria: LabCorp Variant Classification Summary - May 2015. Collection method: clinical testing. Allele origin: germline.
Comment: Variant summary: SUMF1 c.890A>C (p.Asn297Thr) results in a non-conservative amino acid change located in the sulfatase-modifying factor enzyme 1 domain (IPR005532) of the encoded protein sequence. Five of five in-silico tools predict a damaging effect of the variant on protein function. The variant was absent in 251230 control chromosomes (gnomAD). c.890A>C has been reported in the literature in at least an individual affected with multiple sulfatase deficiency (example: Adang_2020). At least one publication reports experimental evidence evaluating an impact on protein function. The most pronounced variant effect results in <10% of normal activity (Adang_2020). The following publication has been ascertained in the context of this evaluation (PMID: 32749716). ClinVar contains an entry for this variant (Variation ID: 653955). Based on the evidence outlined above, the variant was classified as likely pathogenic.

Labcorp Genetics (formerly Invitae), Labcorp
Classification: Uncertain significance for Multiple sulfatase deficiency. Last evaluated: 2021-08-30. Review status: criteria provided, single submitter. Criteria: Invitae Variant Classification Sherloc (09022015). Collection method: clinical testing. Allele origin: germline.
Comment: This sequence change replaces asparagine with threonine at codon 297 of the SUMF1 protein (p.Asn297Thr). The asparagine residue is highly conserved and there is a small physicochemical difference between asparagine and threonine. This variant is present in population databases (rs749715515, ExAC 0.001%). This variant has not been reported in the literature in individuals affected with SUMF1-related conditions. Algorithms developed to predict the effect of missense changes on protein structure and function (SIFT, PolyPhen-2, Align-GVGD) all suggest that this variant is likely to be disruptive. In summary, the available evidence is currently insufficient to determine the role of this variant in disease. Therefore, it has been classified as a Variant of Uncertain Significance.

Literature cited by the submitters: PubMed 32749716 (cited by Women's Health and Genetics/Laboratory Corporation of America, LabCorp).

NM_182760.4(SUMF1):c.890A>C (p.Asn297Thr)

Gene: SUMF1 (sulfatase modifying factor 1; minus strand). Cytogenetic location: 3p26.1.
Variant type: single nucleotide variant.
Coding change: c.890A>C on transcript NM_182760.4 (MANE Select); coding-DNA position 890, A replaced by C.
Protein change: p.Asn297Thr; replaces asparagine 297 with threonine.
Molecular consequence: missense variant.
Genome position (GRCh38, 1-based): chr3:4,410,929, T>G on the plus strand (A>C on the coding strand, the complement: SUMF1 is on the minus strand). VCF-style: chr3-4410929-T-G. GRCh37 (hg19) VCF-style: chr3-4452613-T-G.
Other names: c.815A>C, p.Asn272Thr (NM_001164674.2); c.890A>C, p.Asn297Thr (NM_001164675.2); short protein forms N272T, N297T.
Identifiers: ClinVar variation 653955 (VCV000653955.5), dbSNP rs749715515, ClinGen allele CA2230407.
Genomic context (GRCh38, chr3:4,410,929, plus strand): 5'-TTAAGCGTTTCTTCAACAGAATGATGAACAGTCCACCAGTCTGAAGTCCATTCCCATGCG[T>G]TCCCCACTATGTTGTATAAGCCATAACCATTGGGAGGGAAGGCATCAACCTAAAAACAAA-3'
Protein context (NP_877437.2, residues 287-307): NGYGLYNIVG[Asn297Thr]AWEWTSDWWT